The following is an entry in ClinVar:

NM_182493.3(MYLK3):c.749C>G (p.Ala250Gly)

Gene: MYLK3 (myosin light chain kinase 3; minus strand). Cytogenetic location: 16q11.2.
Variant type: single nucleotide variant.
Coding change: c.749C>G on transcript NM_182493.3 (MANE Select); coding-DNA position 749, C replaced by G.
Protein change: p.Ala250Gly; replaces alanine 250 with glycine.
Molecular consequence: missense variant. On other transcripts: intron variant (1).
Genome position (GRCh38, 1-based): chr16:46,737,963, G>C on the plus strand (C>G on the coding strand, the complement: MYLK3 is on the minus strand). VCF-style: chr16-46737963-G-C. GRCh37 (hg19) VCF-style: chr16-46771875-G-C.
Other names: c.-23+2094C>G (NM_001308301.1); short protein forms A250G.
Identifiers: ClinVar variation 1969029 (VCV001969029.5), dbSNP rs138592429, ClinGen allele CA395794304.
Genomic context (GRCh38, chr16:46,737,963, plus strand): 5'-CTGCCGGGTGCTGGAGCCAATTCCAGGCCAGTCCTGAGGTTCTCGCTGGGTGTCTCAGGA[G>C]CCTTGGCTTCCACCTTTGTGGGCAGGGGCAGGTGGCCAGGGAATGCCTGGGCTGGGCCAG-3'
Protein context (NP_872299.2, residues 240-260): LPLPTKVEAK[Ala250Gly]PETPSENLRT

ClinVar aggregate classification (germline): Uncertain significance (1 of 4 stars; one submission).

Submission:

Labcorp Genetics (formerly Invitae), Labcorp
Classification: Uncertain significance. Last evaluated: 2022-04-07. Review status: criteria provided, single submitter. Criteria: Invitae Variant Classification Sherloc (09022015). Collection method: clinical testing. Allele origin: germline.
Comment: In summary, the available evidence is currently insufficient to determine the role of this variant in disease. Therefore, it has been classified as a Variant of Uncertain Significance. Algorithms developed to predict the effect of missense changes on protein structure and function (SIFT, PolyPhen-2, Align-GVGD) all suggest that this variant is likely to be tolerated. This variant has not been reported in the literature in individuals affected with MYLK3-related conditions. This variant is not present in population databases (gnomAD no frequency). This sequence change replaces alanine, which is neutral and non-polar, with glycine, which is neutral and non-polar, at codon 250 of the MYLK3 protein (p.Ala250Gly).